The following is an entry in ClinVar:

ClinVar aggregate classification (germline): Uncertain significance. Review status: criteria provided, multiple submitters, no conflicts (2 of 4 stars). 2 submissions from 2 submitters: Uncertain significance (2). Last evaluated 2021-03-22.

Conditions:
Intellectual developmental disorder, autosomal dominant 6, with or without seizures. Also called: Intellectual disability, autosomal dominant 6; GRIN2B-related developmental delay, intellectual disability and autism spectrum disorder. Identifiers: Orphanet 589547, MedGen C3151411, MONDO:0013509, OMIM 613970.
Developmental and epileptic encephalopathy, 27 (DEE27). Also called: Epileptic encephalopathy, early infantile, 27; GRIN2B-Related Neurodevelopmental Disorder. Identifiers: Orphanet 3451, MedGen C4015316, MONDO:0014505, OMIM 616139.

Allele frequency attached by ClinVar (database versions not stated): gnomAD exomes below 0.00001 and 0.00001; ExAC 0.00001.
gnomAD v4.1: 6 of 1,614,186 alleles (0.00037%); highest among the groups gnomAD compares: South Asian, 0.0011%; no homozygotes.

Submissions (2):

GeneDx
Classification: Uncertain significance. Last evaluated: 2021-03-22. Review status: criteria provided, single submitter. Criteria: GeneDx Variant Classification Process June 2021. Collection method: clinical testing. Allele origin: germline. Affected: yes.
Comment: In silico analysis supports that this missense variant does not alter protein structure/function; Has not been previously published as pathogenic or benign to our knowledge

Labcorp Genetics (formerly Invitae), Labcorp
Classification: Uncertain significance for Developmental and epileptic encephalopathy, 27; Intellectual developmental disorder, autosomal dominant 6, with or without seizures. Last evaluated: 2018-08-10. Review status: criteria provided, single submitter. Criteria: Invitae Variant Classification Sherloc (09022015). Collection method: clinical testing. Allele origin: germline.
Comment: This sequence change replaces valine with isoleucine at codon 1068 of the GRIN2B protein (p.Val1068Ile). The valine residue is highly conserved and there is a small physicochemical difference between valine and isoleucine. This variant is present in population databases (rs749434579, ExAC 0.001%). This variant has not been reported in the literature in individuals with GRIN2B-related disease. Algorithms developed to predict the effect of missense changes on protein structure and function do not agree on the potential impact of this missense change (SIFT: "Tolerated"; PolyPhen-2: "Probably Damaging"; Align-GVGD: "Class C0"). In summary, the available evidence is currently insufficient to determine the role of this variant in disease. Therefore, it has been classified as a Variant of Uncertain Significance.

NM_000834.5(GRIN2B):c.3202G>A (p.Val1068Ile)

Gene: GRIN2B (glutamate ionotropic receptor NMDA type subunit 2B; minus strand). Cytogenetic location: 12p13.1.
Variant type: single nucleotide variant.
Coding change: c.3202G>A on transcript NM_000834.5 (MANE Select); coding-DNA position 3202, G replaced by A.
Protein change: p.Val1068Ile; replaces valine 1068 with isoleucine.
Molecular consequence: missense variant.
Genome position (GRCh38, 1-based): chr12:13,564,036, C>T on the plus strand (G>A on the coding strand, the complement: GRIN2B is on the minus strand). VCF-style: chr12-13564036-C-T. GRCh37 (hg19) VCF-style: chr12-13716970-C-T.
Other names: short protein forms V1068I.
Identifiers: ClinVar variation 565631 (VCV000565631.11), dbSNP rs749434579, ClinGen allele CA6460926.